The following is an entry in ClinVar:

NM_000155.4(GALT):c.507G>C (p.Gln169His)

Gene: GALT (galactose-1-phosphate uridylyltransferase; plus strand). Cytogenetic location: 9p13.3.
Variant type: single nucleotide variant.
Coding change: c.507G>C on transcript NM_000155.4 (MANE Select); coding-DNA position 507, G replaced by C.
Protein change: p.Gln169His; replaces glutamine 169 with histidine.
Molecular consequence: missense variant.
Genome position (GRCh38, 1-based): chr9:34,647,961, G>C. VCF-style: chr9-34647961-G-C. GRCh37 (hg19) VCF-style: chr9-34647958-G-C.
Other names: NM_000155.4(GALT):c.507G>C; p.Gln169His; c.180G>C, p.Gln60His (NM_001258332.2); short protein forms Q169H, Q60H.
Identifiers: ClinVar variation 2675830 (VCV002675830.2), dbSNP rs1331718470, ClinGen allele CA373281189.

ClinVar aggregate classification (germline): Likely pathogenic. Review status: reviewed by expert panel (3 of 4 stars). 2 submissions from 2 submitters: Likely pathogenic (1). 1 of the submissions does not count toward it. Last evaluated 2026-06-09.

Conditions:
Deficiency of UDPglucose-hexose-1-phosphate uridylyltransferase. Also called: GALACTOSE-1-PHOSPHATE URIDYLYLTRANSFERASE DEFICIENCY; GALT deficiency; Galactosemia, classic; Transferase Deficiency Galactosemia; GALACTOSEMIA I. Identifiers: Orphanet 352, Orphanet 79239, MedGen C0268151, MONDO:0009258, OMIM 230400.
Galactosemia. Also called: Galactose intolerance. Identifiers: Orphanet 352, MedGen C0016952, MONDO:0018116, HP:0004919. Disease mechanism: loss of function.

Allele frequency attached by ClinVar (database versions not stated): gnomAD exomes below 0.00001.
gnomAD v4.1: 3 of 1,614,240 alleles (0.00019%); highest among the groups gnomAD compares: East Asian, 0.0045%; no homozygotes.

Submissions (2):

Clingen Galactosemia Variant Curation Expert Panel, ClinGen
Classification: Likely pathogenic for Galactosemia. Last evaluated: 2026-06-09. Review status: reviewed by expert panel. Criteria: ClinGen Galactosemia ACMG Specifications GALT V1.1. Collection method: curation. Allele origin: germline. Inheritance: Autosomal recessive inheritance.
Comment: The c.507G>C variant in GALT is a missense variant predicted to cause substitution of glutamine by histidine at amino acid 169 (p.Gln169His). The filtering allele frequency of the c.507G>C variant in GALT is 0.0000074 for East Asian chromosomes by gnomAD v4.1.0, which is lower than the ClinGen Galactosemia threshold (≤ 0.0005) for PM2_Supporting, and therefore meets this criterion (PM2_Supporting). The computational predictor REVEL gives a score of 0.964, which is equal to or above the threshold of 0.7, evidence that correlates with impact to GALT function. Additionally, the computational splicing predictor SpliceAI gives a score of 0.74 for donor loss, predicting that the variant may disrupt the donor splice site of intron 5 of GALT (PP3). At least one patient with this variant displayed reduced RBC GALT enzyme activity, which is highly specific for galactosemia (PP4, PMIDs: 25124065, 21150919). The enzyme activity of GALT was assessed using expression vectors carrying the c.507G>C variant in HEK293 cells. Results demonstrated reduced enzyme activity consistent with a null variant, indicating that this variant impacts protein function (PS3_Supporting; PMID: 20547145). Two other missense variants, c.506A>C, p.Q169P (PMID: 27176039) and c.506A>C, p.Q169K (PMID: 10649501) in the same codon have are considered likely pathogenic for galactosemia by the ClinGen Galactosemia Variant Curation Expert Panel. In summary, this variant meets the criteria to be classified as a variant of uncertain significance for galactosemia based on the ACMG/AMP criteria applied, as specified by the ClinGen Galactosemia VCEP: PP4_Moderate; PS3_Supporting; PM2_Supporting; PM5_Supporting; PP3 (GALT specifications v1.0).

Baylor Genetics
Classification: Pathogenic for Deficiency of UDPglucose-hexose-1-phosphate uridylyltransferase. Last evaluated: 2023-04-19. Review status: criteria provided, single submitter. Criteria: ACMG Guidelines, 2015. Collection method: clinical testing. Allele origin: unknown. Not counted in ClinVar's aggregate classification.